The following is an entry in ClinVar:

ClinVar aggregate classification (germline): Uncertain significance (1 of 4 stars; one submission).

Conditions:
Glycogen storage disease, type V (GSD5). Also called: McArdle type glycogen storage disease; MCARDLE DISEASE; MUSCLE GLYCOGEN PHOSPHORYLASE DEFICIENCY; MYOPHOSPHORYLASE DEFICIENCY; PYGM DEFICIENCY. Identifiers: Orphanet 368, MedGen C0017924, MONDO:0009293, OMIM 232600.

Submission:

Labcorp Genetics (formerly Invitae), Labcorp
Classification: Uncertain significance for Glycogen storage disease, type V. Last evaluated: 2020-01-30. Review status: criteria provided, single submitter. Criteria: Invitae Variant Classification Sherloc (09022015). Collection method: clinical testing. Allele origin: germline.
Comment: Algorithms developed to predict the effect of missense changes on protein structure and function are either unavailable or do not agree on the potential impact of this missense change (SIFT: "Not Available"; PolyPhen-2: "Probably Damaging"; Align-GVGD: "Not Available"). In summary, the available evidence is currently insufficient to determine the role of this variant in disease. Therefore, it has been classified as a Variant of Uncertain Significance. This variant has not been reported in the literature in individuals with PYGM-related conditions. This variant is not present in population databases (ExAC no frequency). This sequence change replaces glycine with arginine at codon 131 of the PYGM protein (p.Gly131Arg). The glycine residue is highly conserved and there is a moderate physicochemical difference between glycine and arginine.

NM_005609.4(PYGM):c.391G>A (p.Gly131Arg)

Gene: PYGM (glycogen phosphorylase, muscle associated; minus strand). Cytogenetic location: 11q13.1.
Variant type: single nucleotide variant.
Coding change: c.391G>A on transcript NM_005609.4 (MANE Select); coding-DNA position 391, G replaced by A.
Protein change: p.Gly131Arg; replaces glycine 131 with arginine.
Molecular consequence: missense variant. On other transcripts: intron variant (1).
Genome position (GRCh38, 1-based): chr11:64,758,470, C>T on the plus strand (G>A on the coding strand, the complement: PYGM is on the minus strand). VCF-style: chr11-64758470-C-T. GRCh37 (hg19) VCF-style: chr11-64525942-C-T.
Other names: c.244-204G>A (NM_001164716.1); short protein forms G131R.
Identifiers: ClinVar variation 1011892 (VCV001011892.7), dbSNP rs2058409644, ClinGen allele CA381109721.